The following is an entry in ClinVar:

ClinVar aggregate classification (germline): Uncertain significance (1 of 4 stars; one submission).

Conditions:
Hereditary cancer-predisposing syndrome. Also called: Neoplastic Syndromes, Hereditary; Tumor predisposition; Hereditary Cancer Syndrome; Hereditary neoplastic syndrome. Identifiers: Orphanet 140162, MedGen C0027672, MeSH D009386, MONDO:0015356.

Submission:

Ambry Genetics
Classification: Uncertain significance for Hereditary cancer-predisposing syndrome. Last evaluated: 2026-04-28. Review status: criteria provided, single submitter. Criteria: Ambry Variant Classification Scheme 2023. Collection method: clinical testing. Allele origin: germline.
Comment: The p.T159S variant (also known as c.476C>G), located in coding exon 6 of the SDHC gene, results from a C to G substitution at nucleotide position 476. The threonine at codon 159 is replaced by serine, an amino acid with similar properties. This amino acid position is conserved. In addition, the in silico prediction for this alteration is inconclusive. Based on the available evidence, the clinical significance of this variant remains unclear.

NM_003001.5(SDHC):c.476C>G (p.Thr159Ser)

Gene: SDHC (succinate dehydrogenase complex subunit C; plus strand). Cytogenetic location: 1q23.3.
Variant type: single nucleotide variant.
Coding change: c.476C>G on transcript NM_003001.5 (MANE Select); coding-DNA position 476, C replaced by G.
Protein change: p.Thr159Ser; replaces threonine 159 with serine.
Molecular consequence: missense variant. On other transcripts: nonsense (3), non-coding transcript variant (1).
Genome position (GRCh38, 1-based): chr1:161,362,399, C>G. VCF-style: chr1-161362399-C-G. GRCh37 (hg19) VCF-style: chr1-161332189-C-G.
Other names: c.312C>G, p.Tyr104Ter (NM_001035511.3); c.374C>G, p.Thr125Ser (NM_001035512.3); c.317C>G, p.Thr106Ser (NM_001035513.3); c.210C>G, p.Tyr70Ter (NM_001278172.3); c.596C>G, p.Thr199Ser (NM_001407115.1); c.419C>G, p.Thr140Ser (NM_001407116.1); c.413C>G, p.Thr138Ser (NM_001407117.1); c.368C>G, p.Thr123Ser (NM_001407118.1); and 2 more; short protein forms T106S, T122S, T123S, T125S, T138S, T140S, T159S, T199S.
Identifiers: ClinVar variation 4864278 (VCV004864278.1).
Genomic context (GRCh38, chr1:161,362,399, plus strand): 5'-TAGGAAAAGGCCTGAAGATTCCCCAGCTATACCAGTCTGGAGTGGTTGTCCTGGTTCTTA[C>G]TGTGTTGTCCTCTATGGGGCTGGCAGCCATGTGAAGAAAGGAGGCTCCCAGCATCATCTT-3'
Protein context (NP_002992.1, residues 149-169): YQSGVVVLVL[Thr159Ser]VLSSMGLAAM